The following is an entry in ClinVar:

NM_001042492.3(NF1):c.1536A>C (p.Arg512Ser)

Gene: NF1 (neurofibromin 1; plus strand). Cytogenetic location: 17q11.2.
Variant type: single nucleotide variant.
Coding change: c.1536A>C on transcript NM_001042492.3 (MANE Select); coding-DNA position 1536, A replaced by C.
Protein change: p.Arg512Ser; replaces arginine 512 with serine.
Molecular consequence: missense variant.
Genome position (GRCh38, 1-based): chr17:31,219,013, A>C. VCF-style: chr17-31219013-A-C. GRCh37 (hg19) VCF-style: chr17-29546031-A-C.
Other names: c.1536A>C, p.Arg512Ser (NM_000267.4, NM_001128147.3); short protein forms R512S.
Identifiers: ClinVar variation 1800550 (VCV001800550.2), dbSNP rs2544840326, ClinGen allele CA399001829.
Genomic context (GRCh38, chr17:31,219,013, plus strand): 5'-CTCTCTCGATTTATTTATTTTTTTAATTGAAGTTTCCTTTTTTTCCTTGCAGAATCCAAG[A>C]AAACAGGGGCCCGAAACCCAAGGCAGTACAGCAGAATTAATTACAGGGCTCGTCCAACTG-3'
Protein context (NP_001035957.1, residues 502-522): ADPKLLLCNP[Arg512Ser]KQGPETQGST

ClinVar aggregate classification (germline): Uncertain significance. Review status: criteria provided, multiple submitters, no conflicts (2 of 4 stars). 2 submissions from 2 submitters: Uncertain significance (2). Last evaluated 2025-04-22.

Conditions:
Neurofibromatosis, type 1 (NF1). Also called: NEUROFIBROMATOSIS, TYPE I, SOMATIC; Peripheral type neurofibromatosis; VON RECKLINGHAUSEN DISEASE; Neurofibromatosis, type I. Identifiers: Orphanet 636, MedGen C0027831, MONDO:0018975, OMIM 162200. Disease mechanism: loss of function.

Submissions (2):

Labcorp Genetics (formerly Invitae), Labcorp
Classification: Uncertain significance for Neurofibromatosis, type 1. Last evaluated: 2025-04-22. Review status: criteria provided, single submitter. Criteria: Invitae Variant Classification Sherloc (09022015). Collection method: clinical testing. Allele origin: germline.
Comment: This sequence change replaces arginine, which is basic and polar, with serine, which is neutral and polar, at codon 512 of the NF1 protein (p.Arg512Ser). This variant is not present in population databases (gnomAD no frequency). This variant has not been reported in the literature in individuals affected with NF1-related conditions. ClinVar contains an entry for this variant (Variation ID: 1800550). Invitae Evidence Modeling of protein sequence and biophysical properties (such as structural, functional, and spatial information, amino acid conservation, physicochemical variation, residue mobility, and thermodynamic stability) indicates that this missense variant is not expected to disrupt NF1 protein function with a negative predictive value of 95%. In summary, the available evidence is currently insufficient to determine the role of this variant in disease. Therefore, it has been classified as a Variant of Uncertain Significance.

GeneDx
Classification: Uncertain significance. Last evaluated: 2022-05-11. Review status: criteria provided, single submitter. Criteria: GeneDx Variant Classification Process June 2021. Collection method: clinical testing. Allele origin: germline. Affected: yes.
Comment: Not observed at significant frequency in large population cohorts (gnomAD); In silico analysis supports that this missense variant does not alter protein structure/function; Has not been previously published as pathogenic or benign to our knowledge